The following is an entry in ClinVar:

NM_052947.4(ALPK2):c.4019A>G (p.Glu1340Gly)

Genes: ALPK2 (alpha kinase 2; minus strand), LOC126862764 (BRD4-independent group 4 enhancer GRCh37_chr18:56202574-56203773; plus strand). Cytogenetic location: 18q21.31.
Variant type: single nucleotide variant.
Coding change: c.4019A>G on transcript NM_052947.4 (MANE Select); coding-DNA position 4019, A replaced by G.
Protein change: p.Glu1340Gly; replaces glutamic acid 1340 with glycine.
Molecular consequence: missense variant.
Genome position (GRCh38, 1-based): chr18:58,536,168, T>C on the plus strand (A>G on the coding strand, the complement: ALPK2 is on the minus strand). VCF-style: chr18-58536168-T-C. GRCh37 (hg19) VCF-style: chr18-56203400-T-C.
Other names: short protein forms E1340G.
Identifiers: ClinVar variation 1737075 (VCV001737075.3), dbSNP rs1441263187, ClinGen allele CA402564736.
Genomic context (GRCh38, chr18:58,536,168, plus strand): 5'-GCCGCTGACAGTGAATCTGTGACAGATAACTCCTTTTCATCTACAGGGTCCACGGATGAC[T>C]CCAGGAGTCTGGGTTGGCTGAAACCCCGGGAAGAAAGACTTCTCCAATGTACACTGATGG-3'
Protein context (NP_443179.3, residues 1330-1350): SRGFSQPRLL[Glu1340Gly]SSVDPVDEKE

ClinVar aggregate classification (germline): Uncertain significance (1 of 4 stars; one submission).

Allele frequency attached by ClinVar (database versions not stated): TOPMed below 0.00001; gnomAD 0.00001; gnomAD exomes 0.00001.
gnomAD v4.1: 9 of 1,614,010 alleles (0.00056%); highest among the groups gnomAD compares: Admixed American, 0.012%; no homozygotes.

Submission:

Ambry Genetics
Classification: Uncertain significance. Last evaluated: 2024-06-07. Review status: criteria provided, single submitter. Criteria: Ambry Variant Classification Scheme 2023. Collection method: clinical testing. Allele origin: germline.
Comment: The p.E1340G variant (also known as c.4019A>G), located in coding exon 4 of the ALPK2 gene, results from an A to G substitution at nucleotide position 4019. The glutamic acid at codon 1340 is replaced by glycine, an amino acid with similar properties. This amino acid position is conserved. In addition, this alteration is predicted to be tolerated by in silico analysis. Since supporting evidence is limited at this time, the clinical significance of this alteration remains unclear.